The following is an entry in ClinVar:

ClinVar aggregate classification (germline): Uncertain significance (1 of 4 stars; one submission).

Allele frequency attached by ClinVar (database versions not stated): gnomAD 0.00001.
gnomAD v4.1: 16 of 1,613,162 alleles (0.00099%); highest among the groups gnomAD compares: Middle Eastern, 0.016%; no homozygotes.

Submission:

Labcorp Genetics (formerly Invitae), Labcorp
Classification: Uncertain significance. Last evaluated: 2022-08-10. Review status: criteria provided, single submitter. Criteria: Invitae Variant Classification Sherloc (09022015). Collection method: clinical testing. Allele origin: germline.
Comment: Algorithms developed to predict the effect of missense changes on protein structure and function are either unavailable or do not agree on the potential impact of this missense change (SIFT: "Deleterious"; PolyPhen-2: "Benign"; Align-GVGD: "Class C15"). In summary, the available evidence is currently insufficient to determine the role of this variant in disease. Therefore, it has been classified as a Variant of Uncertain Significance. This variant has not been reported in the literature in individuals affected with RAI1-related conditions. This variant is present in population databases (rs770450464, gnomAD 0.003%). This sequence change replaces serine, which is neutral and polar, with phenylalanine, which is neutral and non-polar, at codon 1858 of the RAI1 protein (p.Ser1858Phe).

NM_030665.4(RAI1):c.5573C>T (p.Ser1858Phe)

Gene: RAI1 (retinoic acid induced 1; plus strand). Cytogenetic location: 17p11.2.
Variant type: single nucleotide variant.
Coding change: c.5573C>T on transcript NM_030665.4 (MANE Select); coding-DNA position 5573, C replaced by T.
Protein change: p.Ser1858Phe; replaces serine 1858 with phenylalanine.
Molecular consequence: missense variant.
Genome position (GRCh38, 1-based): chr17:17,803,763, C>T. VCF-style: chr17-17803763-C-T. GRCh37 (hg19) VCF-style: chr17-17707077-C-T.
Other names: short protein forms S1858F.
Identifiers: ClinVar variation 1923120 (VCV001923120.5), dbSNP rs770450464, ClinGen allele CA8419218.